The following is an entry in ClinVar:

NM_015041.3(CLUAP1):c.21C>T (p.Arg7=)

Genes: CLUAP1 (clusterin associated protein 1; plus strand), LOC130058340 (ATAC-STARR-seq lymphoblastoid active region 10324; plus strand). Cytogenetic location: 16p13.3.
Variant type: single nucleotide variant.
Coding change: c.21C>T on transcript NM_015041.3 (MANE Select); coding-DNA position 21, C replaced by T.
Protein change: p.Arg7=; no amino-acid change (arginine 7 retained).
Molecular consequence: synonymous variant.
Genome position (GRCh38, 1-based): chr16:3,501,088, C>T. VCF-style: chr16-3501088-C-T. GRCh37 (hg19) VCF-style: chr16-3551088-C-T.
Other names: c.21C>T, p.Arg7= (NM_001330454.2).
Identifiers: ClinVar variation 2112851 (VCV002112851.4), dbSNP rs1484009022, ClinGen allele CA493261636.

ClinVar aggregate classification (germline): Uncertain significance (1 of 4 stars; one submission).

gnomAD v4.1: 2 of 1,595,190 alleles (0.00013%); highest among the groups gnomAD compares: Admixed American, 0.0034%; no homozygotes.

Submission:

Labcorp Genetics (formerly Invitae), Labcorp
Classification: Uncertain significance. Last evaluated: 2025-07-31. Review status: criteria provided, single submitter. Criteria: Invitae Variant Classification Sherloc (09022015). Collection method: clinical testing. Allele origin: germline.
Comment: This sequence change affects codon 7 of the CLUAP1 mRNA. It is a 'silent' change, meaning that it does not change the encoded amino acid sequence of the CLUAP1 protein. It affects a nucleotide within the consensus splice site. This variant is not present in population databases (gnomAD no frequency). This variant has not been reported in the literature in individuals affected with CLUAP1-related conditions. ClinVar contains an entry for this variant (Variation ID: 2112851). Algorithms developed to predict the effect of sequence changes on RNA splicing suggest that this variant is not likely to affect RNA splicing. In summary, the available evidence is currently insufficient to determine the role of this variant in disease. Therefore, it has been classified as a Variant of Uncertain Significance.